The following is an entry in ClinVar:

NM_001105206.3(LAMA4):c.4696C>T (p.Arg1566Ter)

Gene: LAMA4 (laminin subunit alpha 4; minus strand). Cytogenetic location: 6q21.
Variant type: single nucleotide variant.
Coding change: c.4696C>T on transcript NM_001105206.3 (MANE Select); coding-DNA position 4696, C replaced by T.
Protein change: p.Arg1566Ter; replaces arginine 1566 with a stop codon.
Molecular consequence: nonsense.
Genome position (GRCh38, 1-based): chr6:112,119,281, G>A on the plus strand (C>T on the coding strand, the complement: LAMA4 is on the minus strand). VCF-style: chr6-112119281-G-A. GRCh37 (hg19) VCF-style: chr6-112440484-G-A.
Other names: c.4675C>T, p.Arg1559Ter (NM_001105207.3, NM_002290.5); short protein forms R1559*, R1566*.
Identifiers: ClinVar variation 517232 (VCV000517232.6), dbSNP rs1554325261, ClinGen allele CA365368670.

ClinVar aggregate classification (germline): Uncertain significance. Review status: criteria provided, multiple submitters, no conflicts (2 of 4 stars). 3 submissions from 3 submitters: Uncertain significance (3). Last evaluated 2023-10-31.

Conditions:
Cardiovascular phenotype. Identifiers: MedGen CN230736.
Dilated cardiomyopathy 1JJ (CMD1JJ). Identifiers: Orphanet 154, MedGen C3808935, MONDO:0014095, OMIM 615235.

Allele frequency attached by ClinVar (database versions not stated): gnomAD exomes 0.00001.
gnomAD v4.1: 11 of 1,613,856 alleles (0.00068%); highest among the groups gnomAD compares: Non-Finnish European, 0.00093%; no homozygotes.

Submissions (3):

Ambry Genetics
Classification: Uncertain significance for Cardiovascular phenotype. Last evaluated: 2023-10-31. Review status: criteria provided, single submitter. Criteria: Ambry Variant Classification Scheme 2023. Collection method: clinical testing. Allele origin: germline.
Comment: The p.R1559* variant (also known as c.4675C>T), located in coding exon 33 of the LAMA4 gene, results from a C to T substitution at nucleotide position 4675. This changes the amino acid from an arginine to a stop codon within coding exon 33. This alteration is expected to result in protein truncation or nonsense-mediated mRNA decay. However, loss of function of LAMA4 has not been established as a mechanism of disease. The evidence for this gene-disease relationship is limited; therefore, the clinical significance of this alteration is unclear.

Fulgent Genetics
Classification: Uncertain significance for Dilated cardiomyopathy 1JJ. Last evaluated: 2021-08-11. Review status: criteria provided, single submitter. Criteria: ACMG Guidelines, 2015. Collection method: clinical testing. Allele origin: unknown.

Laboratory for Molecular Medicine, Mass General Brigham Personalized Medicine
Classification: Uncertain significance. Last evaluated: 2017-01-20. Review status: criteria provided, single submitter. Criteria: LMM Criteria. Collection method: clinical testing. Allele origin: germline. Observed: 1 variant allele.
Comment: The p.Arg1559X variant in LAMA4 has not been previously reported in individuals with cardiomyopathy or in large population studies. This nonsense variant leads to a premature termination codon at position 1559, which is predicted to lead to a truncated or absent protein. The pathogenic variant spectrum of LAMA4 is not well understood and it is unclear if loss of function is disease causing. As a r esult, the clinical significance of the p.Arg1559X variant is uncertain.